The following is an entry in ClinVar:

NM_000020.3(ACVRL1):c.1283del (p.Val428fs)

Gene: ACVRL1 (activin A receptor like type 1; plus strand). Cytogenetic location: 12q13.13.
Variant type: Deletion.
Coding change: c.1283del on transcript NM_000020.3 (MANE Select); coding-DNA position 1283, one base deleted (T; older notation c.1283delT).
Protein change: p.Val428fs; shifts the reading frame from valine 428.
Molecular consequence: frameshift variant.
Genome position (GRCh38, 1-based): chr12:51,919,021, T deleted. VCF-style (leftmost placement, unchanged base first): chr12-51919020-GT-G. GRCh37 (hg19) VCF-style: chr12-52312804-GT-G.
Other names: c.1127del, p.Val376fs (NM_001406490.1); c.971del, p.Val324fs (NM_001406491.1, NM_001406492.1, NM_001406493.1); c.773del, p.Val258fs (NM_001406494.1); c.719del, p.Val240fs (NM_001406495.1); c.1283del, p.Val428fs (NM_001077401.2, NM_001406487.1, NM_001406488.1 and 1 more transcripts); short protein forms V376fs, V428fs, V240fs, V258fs, V324fs.
Identifiers: ClinVar variation 3722631 (VCV003722631.2).

ClinVar aggregate classification (germline): Pathogenic (1 of 4 stars; one submission).

Conditions:
Telangiectasia, hereditary hemorrhagic, type 2 (HHT2). Also called: Telangiectasia, hereditary hemorrhagic, type II; ACVRL1-Related Hereditary Hemorrhagic Telangiectasia. Identifiers: Orphanet 774, MedGen C1838163, MONDO:0010880, OMIM 600376. Disease mechanism: loss of function.

Submission:

Labcorp Genetics (formerly Invitae), Labcorp
Classification: Pathogenic for Telangiectasia, hereditary hemorrhagic, type 2. Last evaluated: 2024-10-10. Review status: criteria provided, single submitter. Criteria: Invitae Variant Classification Sherloc (09022015). Collection method: clinical testing. Allele origin: germline.
Comment: This sequence change creates a premature translational stop signal (p.Val428Glyfs*11) in the ACVRL1 gene. It is expected to result in an absent or disrupted protein product. Loss-of-function variants in ACVRL1 are known to be pathogenic (PMID: 15879500). This variant is not present in population databases (gnomAD no frequency). This variant has not been reported in the literature in individuals affected with ACVRL1-related conditions. For these reasons, this variant has been classified as Pathogenic.

Literature cited by the submitters: PubMed 15879500.